The following is an entry in ClinVar:

NM_052947.4(ALPK2):c.489C>T (p.Ser163=)

Gene: ALPK2 (alpha kinase 2; minus strand). Cytogenetic location: 18q21.31.
Variant type: single nucleotide variant.
Coding change: c.489C>T on transcript NM_052947.4 (MANE Select); coding-DNA position 489, C replaced by T.
Protein change: p.Ser163=; no amino-acid change (serine 163 retained).
Molecular consequence: synonymous variant.
Genome position (GRCh38, 1-based): chr18:58,580,287, G>A on the plus strand (C>T on the coding strand, the complement: ALPK2 is on the minus strand). VCF-style: chr18-58580287-G-A. GRCh37 (hg19) VCF-style: chr18-56247519-G-A.
Identifiers: ClinVar variation 710666 (VCV000710666.9), dbSNP rs73961633, ClinGen allele CA8977435.

ClinVar aggregate classification (germline): Benign/Likely benign. Review status: criteria provided, multiple submitters, no conflicts (2 of 4 stars). 4 submissions from 4 submitters: Benign (2); Likely benign (1). 1 of the submissions does not count toward it. Last evaluated 2022-02-12.

Conditions:
ALPK2-related disorder. Also called: ALPK2-related condition.

Allele frequency attached by ClinVar (database versions not stated): gnomAD exomes 0.00066 and 0.00159; ExAC 0.00200; gnomAD 0.00656 and 0.00707; ESP Exome Variant Server 0.00662; 1000 Genomes Project 0.00739; TOPMed 0.00773; 1000 Genomes Project 30x 0.00828.
gnomAD v4.1: 1,994 of 1,614,164 alleles (0.12%); highest among the groups gnomAD compares: African/African-American, 2.4%; 19 homozygotes.

Submissions (4):

Ambry Genetics
Classification: Likely benign. Last evaluated: 2022-02-12. Review status: criteria provided, single submitter. Criteria: Ambry Variant Classification Scheme 2023. Collection method: clinical testing. Allele origin: germline.

Labcorp Genetics (formerly Invitae), Labcorp
Classification: Benign. Last evaluated: 2019-12-31. Review status: criteria provided, single submitter. Criteria: Invitae Variant Classification Sherloc (09022015). Collection method: clinical testing. Allele origin: germline.

Breakthrough Genomics
Classification: Benign. Review status: criteria provided, single submitter. Criteria: ACMG Guidelines, 2015. Collection method: not provided. Allele origin: germline. Inheritance: Unknown mechanism. Affected: yes.

PreventionGenetics, part of Exact Sciences
Classification: Benign for ALPK2-related condition. Last evaluated: 2019-03-15. Review status: no assertion criteria provided. Collection method: clinical testing. Allele origin: germline. Not counted in ClinVar's aggregate classification.
Comment: This variant is classified as benign based on ACMG/AMP sequence variant interpretation guidelines (Richards et al. 2015 PMID: 25741868, with internal and published modifications).